The following is an entry in ClinVar:

ClinVar aggregate classification (germline): Conflicting classifications of pathogenicity. Review status: criteria provided, conflicting classifications (1 of 4 stars). 3 submissions from 3 submitters: Pathogenic (1); Likely pathogenic (1); Uncertain significance (1). Last evaluated 2025-10-02.

Conditions:
Hypophosphatasia. Also called: Phosphoethanol-aminuria. Identifiers: Orphanet 436, MedGen C0020630, MeSH D007014, MONDO:0018570.

Submissions (3):

Myriad Genetics, Inc.
Classification: Uncertain significance for Hypophosphatasia. Last evaluated: 2025-10-02. Review status: criteria provided, single submitter. Criteria: Myriad Autosomal Dominant, Autosomal Recessive and X-Linked Classification Criteria (2023). Collection method: clinical testing. Allele origin: unknown.
Comment: NM_000478.4(ALPL):c.69_74del6(E23_K24del) is an in-frame deletion classified as a variant of uncertain significance in the context of hypophosphatasia. E23_K24del has been observed in cases with relevant disease (PMID: 32973344, 30788858, 39922572, 35498405). Relevant functional assessments of this variant are available in the literature (PMID: 35498405). E23_K24del has not been observed in referenced population frequency databases. In summary, there is insufficient evidence to classify NM_000478.4(ALPL):c.69_74del6(E23_K24del) as pathogenic or benign. Please note: this variant was assessed in the context of healthy population screening.

Genomenon, Inc
Classification: Pathogenic for Hypophosphatasia. Last evaluated: 2025-08-29. Review status: criteria provided, single submitter. Criteria: Genomenon Sequence Variant Interpretation Standards. Collection method: curation. Allele origin: germline. Affected: yes.
Comment: ALPL c.69_74del is an in-frame deletion variant that results in the deletion of two amino acids, Glutamic acid at position 23 and Lysine at position 24. This variant has been observed in at least one proband affected with hypophosphatasia (PMID:30788858;35498405;32973344). At least one functional study has demonstrated a substantial alteration in protein function relative to the wild-type (PMID:35498405). It is absent or not present at a significant frequency in gnomAD. In conclusion, we classify ALPL p.Glu23_Lys24del (c.69_74del) as a pathogenic variant.

JKU Lab, Dept of Paediatrics, Johannes Kepler University
Classification: Likely pathogenic for Hypophosphatasia. Last evaluated: 2021-11-15. Review status: criteria provided, single submitter. Criteria: ACMG Guidelines, 2015. Collection method: clinical testing. Allele origin: germline. Affected: yes. Observed: 1 compound heterozygote.
Comment: This variant is absent from large population studies. Functional studies performed at the JKU Hoegler lab showed reduced ALPL activity. ACMG Criteria used for classification: PS3_mod, PM2_sup, PM4_mod, PP4_sup.

Literature cited by the submitters: PubMed 30788858 (cited by 3 submitters); PubMed 32973344 (cited by Myriad Genetics, Inc. and Genomenon, Inc); PubMed 35498405 (cited by Myriad Genetics, Inc. and Genomenon, Inc); PubMed 39922572 (cited by Myriad Genetics, Inc.).

NM_000478.6(ALPL):c.69_74del

Gene: ALPL (alkaline phosphatase, biomineralization associated; plus strand). Cytogenetic location: 1p36.12.
Variant type: Microsatellite.
Coding change: c.69_74del on transcript NM_000478.6 (MANE Select); coding-DNA positions 69 to 74, 6 bases deleted (GAAAGA; older notation c.69_74delGAAAGA).
Molecular consequence: splice acceptor variant.
Genome position (GRCh38, 1-based): chr1:21,560,633-21,560,638, GAAAGA deleted; deleting any 6 consecutive bases within chr1:21,560,624-21,560,638 gives the same sequence; the c. name uses the placement nearest the transcript's 3' end. VCF-style (leftmost placement, unchanged base first): chr1-21560623-TAGAGAA-T. GRCh37 (hg19) VCF-style: chr1-21887116-TAGAGAA-T.
Identifiers: ClinVar variation 1334790 (VCV001334790.4), dbSNP rs2148150789, ClinGen allele CA2574252789.